The following is an entry in ClinVar:

NM_005430.4(WNT1):c.1073G>A (p.Arg358His)

Gene: WNT1 (Wnt family member 1; plus strand). Cytogenetic location: 12q13.12.
Variant type: single nucleotide variant.
Coding change: c.1073G>A on transcript NM_005430.4 (MANE Select); coding-DNA position 1073, G replaced by A.
Protein change: p.Arg358His; replaces arginine 358 with histidine.
Molecular consequence: missense variant.
Genome position (GRCh38, 1-based): chr12:48,981,600, G>A. VCF-style: chr12-48981600-G-A. GRCh37 (hg19) VCF-style: chr12-49375383-G-A.
Other names: c.1073G>A (NM_005430.3); short protein forms R358H.
Identifiers: ClinVar variation 2903681 (VCV002903681.4), dbSNP rs779430216, ClinGen allele CA6544502.

ClinVar aggregate classification (germline): Uncertain significance. Review status: criteria provided, multiple submitters, no conflicts (2 of 4 stars). 2 submissions from 2 submitters: Uncertain significance (2). Last evaluated 2024-08-14.

Conditions:
Inborn genetic diseases. Identifiers: MedGen C0950123, MeSH D030342.

Allele frequency attached by ClinVar (database versions not stated): gnomAD exomes 0.00005; TOPMed 0.00005; gnomAD 0.00007.
gnomAD v4.1: 70 of 1,489,586 alleles (0.0047%); highest among the groups gnomAD compares: Non-Finnish European, 0.0048%; no homozygotes.

Submissions (2):

Ambry Genetics
Classification: Uncertain significance for Inborn genetic diseases. Last evaluated: 2024-08-14. Review status: criteria provided, single submitter. Criteria: Ambry Variant Classification Scheme 2023. Collection method: clinical testing. Allele origin: germline.

Labcorp Genetics (formerly Invitae), Labcorp
Classification: Uncertain significance. Last evaluated: 2024-02-20. Review status: criteria provided, single submitter. Criteria: Invitae Variant Classification Sherloc (09022015). Collection method: clinical testing. Allele origin: germline.
Comment: This sequence change replaces arginine, which is basic and polar, with histidine, which is basic and polar, at codon 358 of the WNT1 protein (p.Arg358His). This variant is present in population databases (rs779430216, gnomAD 0.04%). This variant has not been reported in the literature in individuals affected with WNT1-related conditions. Advanced modeling of protein sequence and biophysical properties (such as structural, functional, and spatial information, amino acid conservation, physicochemical variation, residue mobility, and thermodynamic stability) performed at Invitae indicates that this missense variant is not expected to disrupt WNT1 protein function with a negative predictive value of 80%. In summary, the available evidence is currently insufficient to determine the role of this variant in disease. Therefore, it has been classified as a Variant of Uncertain Significance.